The following is an entry in ClinVar:

ClinVar aggregate classification (germline): Uncertain significance (1 of 4 stars; one submission).

Conditions:
Catecholaminergic polymorphic ventricular tachycardia (CVPT). Also called: Catecholamine-induced polymorphic ventricular tachycardia. Identifiers: Orphanet 3286, MedGen C5574922, MONDO:0017990.

Submission:

All of Us Research Program, National Institutes of Health
Classification: Uncertain significance for Catecholaminergic polymorphic ventricular tachycardia. Last evaluated: 2023-08-15. Review status: criteria provided, single submitter. Criteria: ACMG Guidelines, 2015. Collection method: clinical testing. Allele origin: germline. Inheritance: Autosomal dominant inheritance. Observed: 1 variant allele, 1 heterozygote.
Comment: This study involves interpretation of variants in research participants for the purpose of population health screening. Participant phenotype was not available at the time of variant classification. Additional details can be found in publication PMID: 35346344, PMCID: PMC8962531

NM_001035.3(RYR2):c.4460T>A (p.Met1487Lys)

Gene: RYR2 (ryanodine receptor 2; plus strand). Cytogenetic location: 1q43.
Variant type: single nucleotide variant.
Coding change: c.4460T>A on transcript NM_001035.3 (MANE Select); coding-DNA position 4460, T replaced by A.
Protein change: p.Met1487Lys; replaces methionine 1487 with lysine.
Molecular consequence: missense variant.
Genome position (GRCh38, 1-based): chr1:237,595,521, T>A. VCF-style: chr1-237595521-T-A. GRCh37 (hg19) VCF-style: chr1-237758821-T-A.
Other names: short protein forms M1487K.
Identifiers: ClinVar variation 3072649 (VCV003072649.1), dbSNP rs1675795160, ClinGen allele CA345400156.
Genomic context (GRCh38, chr1:237,595,521, plus strand): 5'-GGTTGTACAAAGATAAAAATGTTCTTTTGAAATTCAGCATCAAACGCAGCAACTGCTATA[T>A]GGTATGTGCGGGTGAGAGCATGAGCCCCGGGCAAGGACGCAACAATAATGGACTGGAGAT-3'
Protein context (NP_001026.2, residues 1477-1497): HESIKRSNCY[Met1487Lys]VCAGESMSPG